The following is an entry in ClinVar:

ClinVar aggregate classification (germline): Uncertain significance (1 of 4 stars; one submission).

Submission:

Dasa
Classification: Uncertain significance. Last evaluated: 2026-01-26. Review status: criteria provided, single submitter. Criteria: DASA Assertion Criteria. Collection method: clinical testing. Allele origin: germline.
Comment: NM_001429.4(EP300):c.5728C>A (p.Pro1910Thr) is a missense variant that results in the substitution of proline with threonine. This variant is rare in population databases. The currently available literature and clinical evidence are not sufficient to establish a definitive association between this variant and the reported condition. Therefore, this variant is classified as a variant of uncertain significance.

NM_001429.4(EP300):c.5728C>A (p.Pro1910Thr)

Gene: EP300 (EP300 lysine acetyltransferase; plus strand). Cytogenetic location: 22q13.2.
Variant type: single nucleotide variant.
Coding change: c.5728C>A on transcript NM_001429.4 (MANE Select); coding-DNA position 5728, C replaced by A.
Protein change: p.Pro1910Thr; replaces proline 1910 with threonine.
Molecular consequence: missense variant.
Genome position (GRCh38, 1-based): chr22:41,177,439, C>A. VCF-style: chr22-41177439-C-A. GRCh37 (hg19) VCF-style: chr22-41573443-C-A.
Other names: c.5650C>A, p.Pro1884Thr (NM_001362843.2); short protein forms P1884T, P1910T.
Identifiers: ClinVar variation 4883830 (VCV004883830.2).